The following is an entry in ClinVar:

NM_003743.5(NCOA1):c.3822C>T (p.Ala1274=)

Gene: NCOA1 (nuclear receptor coactivator 1; plus strand). Cytogenetic location: 2p23.3.
Variant type: single nucleotide variant.
Coding change: c.3822C>T on transcript NM_003743.5 (MANE Select); coding-DNA position 3822, C replaced by T.
Protein change: p.Ala1274=; no amino-acid change (alanine 1274 retained).
Molecular consequence: synonymous variant.
Genome position (GRCh38, 1-based): chr2:24,752,097, C>T. VCF-style: chr2-24752097-C-T. GRCh37 (hg19) VCF-style: chr2-24974966-C-T.
Other names: c.3822C>T, p.Ala1274= (NM_001362950.1, NM_001362952.1, NM_001362954.1 and 3 more transcripts).
Identifiers: ClinVar variation 3352659 (VCV003352659.1).

ClinVar aggregate classification (germline): Likely benign (0 of 4 stars; one submission).

Conditions:
NCOA1-related disorder. Also called: NCOA1-related condition.

gnomAD v4.1: 55 of 1,614,048 alleles (0.0034%); highest among the groups gnomAD compares: Middle Eastern, 0.016%; no homozygotes.

Submission:

PreventionGenetics, part of Exact Sciences
Classification: Likely benign for NCOA1-related condition. Last evaluated: 2019-05-16. Review status: no assertion criteria provided. Collection method: clinical testing. Allele origin: germline.
Comment: This variant is classified as likely benign based on ACMG/AMP sequence variant interpretation guidelines (Richards et al. 2015 PMID: 25741868, with internal and published modifications).